The following is an entry in ClinVar:

ClinVar aggregate classification (germline): Benign. Review status: criteria provided, multiple submitters, no conflicts (2 of 4 stars). 4 submissions from 4 submitters: Benign (4). Last evaluated 2026-02-03.

Conditions:
MHC class I deficiency. Identifiers: Orphanet 34592, MedGen C6024714, MONDO:0011476.

Allele frequency attached by ClinVar (database versions not stated): ExAC 0.03933; gnomAD 0.04969 and 0.05022; TOPMed 0.05153; 1000 Genomes Project 0.06390; gnomAD exomes 0.03753 and 0.03818; ESP Exome Variant Server 0.05465; 1000 Genomes Project 30x 0.06699.
gnomAD v4.1: 63,666 of 1,612,946 alleles (3.9%); highest among the groups gnomAD compares: African/African-American, 8.9%; 1,581 homozygotes.

Submissions (4):

Labcorp Genetics (formerly Invitae), Labcorp
Classification: Benign for MHC class I deficiency 1. Last evaluated: 2026-02-03. Review status: criteria provided, single submitter. Criteria: Invitae Variant Classification Sherloc (09022015). Collection method: clinical testing. Allele origin: germline.

Women's Health and Genetics/Laboratory Corporation of America, LabCorp
Classification: Benign. Last evaluated: 2026-01-21. Review status: criteria provided, single submitter. Criteria: LabCorp Variant Classification Summary - May 2015. Collection method: clinical testing. Allele origin: germline.

GeneDx
Classification: Benign. Last evaluated: 2020-09-08. Review status: criteria provided, single submitter. Criteria: GeneDx Variant Classification Process June 2021. Collection method: clinical testing. Allele origin: germline. Affected: yes.

Laboratory for Molecular Medicine, Mass General Brigham Personalized Medicine
Classification: Benign. Last evaluated: 2016-03-28. Review status: criteria provided, single submitter. Criteria: LMM Criteria. Collection method: clinical testing. Allele origin: germline.
Comment: Variant identified in a genome or exome case(s) and assessed due to predicted null impact of the variant or pathogenic assertions in the literature or databases. Disclaimer: This variant has not undergone full assessment. The following are preliminary notes: Frequency

NM_001290043.2(TAP2):c.739+12A>T

Genes: TAP2 (transporter 2, ATP binding cassette subfamily B member; minus strand), LOC107648851 (meiotic recombination hotspot TAP2; plus strand). Cytogenetic location: 6p21.32.
Variant type: single nucleotide variant.
Coding change: c.739+12A>T on transcript NM_001290043.2 (MANE Select); 12 bases into the intron after coding-DNA position 739, A replaced by T.
Molecular consequence: intron variant.
Genome position (GRCh38, 1-based): chr6:32,835,631, T>A on the plus strand (A>T on the coding strand, the complement: TAP2 is on the minus strand). VCF-style: chr6-32835631-T-A. GRCh37 (hg19) VCF-style: chr6-32803408-T-A.
Other names: c.739+12A>T (NM_000544.3, NM_018833.3).
Identifiers: ClinVar variation 403517 (VCV000403517.15), dbSNP rs28724898, ClinGen allele CA3746077.